The following is an entry in ClinVar:

ClinVar aggregate classification (germline): Uncertain significance (1 of 4 stars; one submission).

gnomAD v4.1: 3 of 1,595,922 alleles (0.00019%); highest among the groups gnomAD compares: Admixed American, 0.0017%; no homozygotes.

Submission:

Labcorp Genetics (formerly Invitae), Labcorp
Classification: Uncertain significance. Last evaluated: 2025-08-01. Review status: criteria provided, single submitter. Criteria: Invitae Variant Classification Sherloc (09022015). Collection method: clinical testing. Allele origin: germline.
Comment: This sequence change replaces isoleucine, which is neutral and non-polar, with valine, which is neutral and non-polar, at codon 136 of the PDE6B protein (p.Ile136Val). This variant is not present in population databases (gnomAD no frequency). This variant has not been reported in the literature in individuals affected with PDE6B-related conditions. Invitae Evidence Modeling of protein sequence and biophysical properties (such as structural, functional, and spatial information, amino acid conservation, physicochemical variation, residue mobility, and thermodynamic stability) indicates that this missense variant is not expected to disrupt PDE6B protein function with a negative predictive value of 95%. In summary, the available evidence is currently insufficient to determine the role of this variant in disease. Therefore, it has been classified as a Variant of Uncertain Significance.

NM_000283.4(PDE6B):c.406A>G (p.Ile136Val)

Gene: PDE6B (phosphodiesterase 6B; plus strand). Cytogenetic location: 4p16.3.
Variant type: single nucleotide variant.
Coding change: c.406A>G on transcript NM_000283.4 (MANE Select); coding-DNA position 406, A replaced by G.
Protein change: p.Ile136Val; replaces isoleucine 136 with valine.
Molecular consequence: missense variant.
Genome position (GRCh38, 1-based): chr4:626,032, A>G. VCF-style: chr4-626032-A-G. GRCh37 (hg19) VCF-style: chr4-619821-A-G.
Other names: c.406A>G, p.Ile136Val (NM_001145291.2, NM_001440547.1, NM_001440548.1); short protein forms I136V.
Identifiers: ClinVar variation 4778962 (VCV004778962.1).